The following is an entry in ClinVar:

ClinVar aggregate classification (germline): Uncertain significance (1 of 4 stars; one submission).

Conditions:
Acromesomelic dysplasia 1, Maroteaux type (AMD1). Also called: ST. HELENA DYSPLASIA; ACROMESOMELIC DYSPLASIA 1. Identifiers: Orphanet 40, MedGen C1864356, MONDO:0011275, OMIM 602875.
Tall stature-scoliosis-macrodactyly of the great toes syndrome. Also called: Epiphyseal chondrodysplasia, miura type. Identifiers: Orphanet 329191, MedGen C4014690, MONDO:0014401, OMIM 615923.

Allele frequency attached by ClinVar (database versions not stated): gnomAD exomes below 0.00001 and 0.00001.
gnomAD v4.1: 21 of 1,614,158 alleles (0.0013%); highest among the groups gnomAD compares: Non-Finnish European, 0.0018%; no homozygotes.

Submission:

Labcorp Genetics (formerly Invitae), Labcorp
Classification: Uncertain significance for Tall stature-scoliosis-macrodactyly of the great toes syndrome; Acromesomelic dysplasia 1, Maroteaux type. Last evaluated: 2021-08-16. Review status: criteria provided, single submitter. Criteria: Invitae Variant Classification Sherloc (09022015). Collection method: clinical testing. Allele origin: germline.
Comment: This variant has not been reported in the literature in individuals affected with NPR2-related conditions. This variant is not present in population databases (ExAC no frequency). This sequence change replaces aspartic acid with asparagine at codon 442 of the NPR2 protein (p.Asp442Asn). The aspartic acid residue is highly conserved and there is a small physicochemical difference between aspartic acid and asparagine. Algorithms developed to predict the effect of missense changes on protein structure and function are either unavailable or do not agree on the potential impact of this missense change (SIFT: "Deleterious"; PolyPhen-2: "Benign"; Align-GVGD: "Class C15"). In summary, the available evidence is currently insufficient to determine the role of this variant in disease. Therefore, it has been classified as a Variant of Uncertain Significance.

NM_003995.4(NPR2):c.1324G>A (p.Asp442Asn)

Gene: NPR2 (natriuretic peptide receptor 2; plus strand). Cytogenetic location: 9p13.3.
Variant type: single nucleotide variant.
Coding change: c.1324G>A on transcript NM_003995.4 (MANE Select); coding-DNA position 1324, G replaced by A.
Protein change: p.Asp442Asn; replaces aspartic acid 442 with asparagine.
Molecular consequence: missense variant.
Genome position (GRCh38, 1-based): chr9:35,800,814, G>A. VCF-style: chr9-35800814-G-A. GRCh37 (hg19) VCF-style: chr9-35800811-G-A.
Other names: c.1324G>A, p.Asp442Asn (NM_001378923.1); short protein forms D442N.
Identifiers: ClinVar variation 1511529 (VCV001511529.6), dbSNP rs1331619875, ClinGen allele CA373371286.